The following is an entry in ClinVar:

ClinVar aggregate classification (germline): Uncertain significance. Review status: criteria provided, multiple submitters, no conflicts (2 of 4 stars). 3 submissions from 3 submitters: Uncertain significance (3). Last evaluated 2023-03-31.

Conditions:
Hereditary cancer-predisposing syndrome. Also called: Neoplastic Syndromes, Hereditary; Hereditary neoplastic syndrome; Tumor predisposition; Hereditary Cancer Syndrome. Identifiers: Orphanet 140162, MedGen C0027672, MeSH D009386, MONDO:0015356.
DICER1-related tumor predisposition. Also called: DICER1 syndrome; DICER1-related pleuropulmonary blastoma cancer predisposition syndrome. Identifiers: Orphanet 284343, MedGen C3839822, MONDO:0100216.

Allele frequency attached by ClinVar (database versions not stated): gnomAD exomes below 0.00001.
gnomAD v4.1: 1 of 1,614,148 alleles (0.000062%); highest among the groups gnomAD compares: Non-Finnish European, 0.000085%; no homozygotes.

Submissions (3):

Labcorp Genetics (formerly Invitae), Labcorp
Classification: Uncertain significance for DICER1-related tumor predisposition. Last evaluated: 2023-03-31. Review status: criteria provided, single submitter. Criteria: Invitae Variant Classification Sherloc (09022015). Collection method: clinical testing. Allele origin: germline.
Comment: In summary, the available evidence is currently insufficient to determine the role of this variant in disease. Therefore, it has been classified as a Variant of Uncertain Significance. Advanced modeling of protein sequence and biophysical properties (such as structural, functional, and spatial information, amino acid conservation, physicochemical variation, residue mobility, and thermodynamic stability) performed at Invitae indicates that this missense variant is not expected to disrupt DICER1 protein function. ClinVar contains an entry for this variant (Variation ID: 665977). This variant has not been reported in the literature in individuals affected with DICER1-related conditions. This variant is not present in population databases (gnomAD no frequency). This sequence change replaces aspartic acid, which is acidic and polar, with glycine, which is neutral and non-polar, at codon 727 of the DICER1 protein (p.Asp727Gly).

Institute for Clinical Genetics, University Hospital TU Dresden, University Hospital TU Dresden
Classification: Uncertain significance. Last evaluated: 2021-11-03. Review status: criteria provided, single submitter. Criteria: ACMG Guidelines, 2015. Collection method: clinical testing. Allele origin: germline.

Ambry Genetics
Classification: Uncertain significance for Hereditary cancer-predisposing syndrome. Last evaluated: 2021-08-24. Review status: criteria provided, single submitter. Criteria: Ambry Variant Classification Scheme 2023. Collection method: clinical testing. Allele origin: germline.
Comment: The p.D727G variant (also known as c.2180A>G), located in coding exon 13 of the DICER1 gene, results from an A to G substitution at nucleotide position 2180. The aspartic acid at codon 727 is replaced by glycine, an amino acid with similar properties. This amino acid position is highly conserved in available vertebrate species. In addition, this alteration is predicted to be deleterious by in silico analysis. Since supporting evidence is limited at this time, the clinical significance of this alteration remains unclear.

NM_177438.3(DICER1):c.2180A>G (p.Asp727Gly)

Gene: DICER1 (dicer 1, ribonuclease III; minus strand). Cytogenetic location: 14q32.13.
Variant type: single nucleotide variant.
Coding change: c.2180A>G on transcript NM_177438.3 (MANE Select); coding-DNA position 2180, A replaced by G.
Protein change: p.Asp727Gly; replaces aspartic acid 727 with glycine.
Molecular consequence: missense variant.
Genome position (GRCh38, 1-based): chr14:95,111,393, T>C on the plus strand (A>G on the coding strand, the complement: DICER1 is on the minus strand). VCF-style: chr14-95111393-T-C. GRCh37 (hg19) VCF-style: chr14-95577730-T-C.
Other names: c.2180A>G, p.Asp727Gly (NM_001195573.1, NM_001271282.3, NM_001291628.2 and 1 more transcripts); short protein forms D727G.
Identifiers: ClinVar variation 665977 (VCV000665977.14), dbSNP rs997546722, ClinGen allele CA265911996.